The following is an entry in ClinVar:

ClinVar aggregate classification (germline): Likely pathogenic (0 of 4 stars; one submission).

Conditions:
BBS4-related disorder. Also called: BBS4-related condition.

Submission:

PreventionGenetics, part of Exact Sciences
Classification: Likely pathogenic for BBS4-related condition. Last evaluated: 2024-03-27. Review status: no assertion criteria provided. Collection method: clinical testing. Allele origin: germline.
Comment: The BBS4 c.77-1G>T variant is predicted to disrupt the AG splice acceptor site and interfere with normal splicing. To our knowledge, this variant has not been reported in the literature or in a large population database, indicating this variant is rare. Variants that disrupt the consensus splice acceptor site in BBS4 are expected to be pathogenic. This variant is interpreted as likely pathogenic.

NM_033028.5(BBS4):c.77-1G>T

Gene: BBS4 (Bardet-Biedl syndrome 4; plus strand). Cytogenetic location: 15q24.1.
Variant type: single nucleotide variant.
Coding change: c.77-1G>T on transcript NM_033028.5 (MANE Select); the canonical splice acceptor site of the intron before coding-DNA position 77, G replaced by T.
Molecular consequence: splice acceptor variant.
Genome position (GRCh38, 1-based): chr15:72,709,699, G>T. VCF-style: chr15-72709699-G-T. GRCh37 (hg19) VCF-style: chr15-73002040-G-T.
Other names: c.77-1G>T (NM_001320665.2); c.-445-1G>T (NM_001252678.2).
Identifiers: ClinVar variation 3348132 (VCV003348132.1).